The following is an entry in ClinVar:

ClinVar aggregate classification (germline): Uncertain significance (1 of 4 stars; one submission).

Conditions:
Rubinstein-Taybi syndrome due to EP300 haploinsufficiency. Also called: EP300-Related Rubinstein-Taybi Syndrome; RUBINSTEIN-TAYBI SYNDROME 2. Identifiers: Orphanet 353284, Orphanet 783, MedGen C3150941, MONDO:0013364, OMIM 613684.

gnomAD v4.1: 1 of 1,614,168 alleles (0.000062%); highest among the groups gnomAD compares: African/African-American, 0.0013%; no homozygotes.

Submission:

Labcorp Genetics (formerly Invitae), Labcorp
Classification: Uncertain significance for Rubinstein-Taybi syndrome due to EP300 haploinsufficiency. Last evaluated: 2024-06-19. Review status: criteria provided, single submitter. Criteria: Invitae Variant Classification Sherloc (09022015). Collection method: clinical testing. Allele origin: germline.
Comment: This sequence change replaces methionine, which is neutral and non-polar, with valine, which is neutral and non-polar, at codon 323 of the EP300 protein (p.Met323Val). This variant is not present in population databases (gnomAD no frequency). This variant has not been reported in the literature in individuals affected with EP300-related conditions. Advanced modeling of protein sequence and biophysical properties (such as structural, functional, and spatial information, amino acid conservation, physicochemical variation, residue mobility, and thermodynamic stability) performed at Invitae indicates that this missense variant is not expected to disrupt EP300 protein function with a negative predictive value of 80%. In summary, the available evidence is currently insufficient to determine the role of this variant in disease. Therefore, it has been classified as a Variant of Uncertain Significance.

NM_001429.4(EP300):c.967A>G (p.Met323Val)

Gene: EP300 (EP300 lysine acetyltransferase; plus strand). Cytogenetic location: 22q13.2.
Variant type: single nucleotide variant.
Coding change: c.967A>G on transcript NM_001429.4 (MANE Select); coding-DNA position 967, A replaced by G.
Protein change: p.Met323Val; replaces methionine 323 with valine.
Molecular consequence: missense variant.
Genome position (GRCh38, 1-based): chr22:41,127,547, A>G. VCF-style: chr22-41127547-A-G. GRCh37 (hg19) VCF-style: chr22-41523551-A-G.
Other names: c.967A>G, p.Met323Val (NM_001362843.2); short protein forms M323V.
Identifiers: ClinVar variation 3724465 (VCV003724465.2).